The following is an entry in ClinVar:

ClinVar aggregate classification (germline): Benign/Likely benign. Review status: criteria provided, multiple submitters, no conflicts (2 of 4 stars). 11 submissions from 10 submitters: Benign (8); Likely benign (1). 2 of the submissions do not count toward it. Last evaluated 2026-02-04.

Conditions:
Alpha-methylacyl-CoA racemase deficiency (AMACRD). Also called: AMACR deficiency. Identifiers: Orphanet 79095, MedGen C3280428, MONDO:0013681, OMIM 614307. Disease mechanism: loss of function.
Congenital bile acid synthesis defect 4 (CBAS4). Also called: TRIHYDROXYCOPROSTANIC ACID IN BILE; CHOLESTASIS, INTRAHEPATIC, WITH DEFECTIVE CONVERSION OF TRIHYDROXYCOPROSTANIC ACID TO CHOLIC ACID. Identifiers: Orphanet 79095, MedGen C1858328, MONDO:0008967, OMIM 214950.

Allele frequency attached by ClinVar (database versions not stated): 1000 Genomes Project 30x 0.24938; 1000 Genomes Project 0.25260; TOPMed 0.36516; gnomAD 0.37953 and 0.38660; ESP Exome Variant Server 0.38421; ExAC 0.41077; gnomAD exomes 0.41963 and 0.48639.
gnomAD v4.1: 766,403 of 1,613,804 alleles (47%); highest among the groups gnomAD compares: Non-Finnish European, 53%; 196,459 homozygotes.

Submissions (11):

Labcorp Genetics (formerly Invitae), Labcorp
Classification: Benign for Alpha-methylacyl-CoA racemase deficiency. Last evaluated: 2026-02-04. Review status: criteria provided, single submitter. Criteria: Invitae Variant Classification Sherloc (09022015). Collection method: clinical testing. Allele origin: germline.

Blueprint Genetics
Classification: Likely benign. Last evaluated: 2024-11-27. Review status: criteria provided, single submitter. Criteria: ACMG Guidelines, 2015. Collection method: clinical testing. Allele origin: germline.

Genome-Nilou Lab
Classification: Benign for Alpha-methylacyl-CoA racemase deficiency. Last evaluated: 2021-07-14. Review status: criteria provided, single submitter. Criteria: ACMG Guidelines, 2015. Collection method: clinical testing. Allele origin: germline. Affected: no.

Genome-Nilou Lab
Classification: Benign for Congenital bile acid synthesis defect 4. Last evaluated: 2021-07-14. Review status: criteria provided, single submitter. Criteria: ACMG Guidelines, 2015. Collection method: clinical testing. Allele origin: germline. Affected: no.

Mendelics
Classification: Benign for Alpha-methylacyl-CoA racemase deficiency. Last evaluated: 2019-05-28. Review status: criteria provided, single submitter. Criteria: Mendelics Assertion Criteria 2017. Collection method: clinical testing. Allele origin: unknown.

Illumina Laboratory Services, Illumina
Classification: Benign for Alpha-methylacyl-CoA racemase deficiency. Last evaluated: 2018-03-06. Review status: criteria provided, single submitter. Criteria: ICSL Variant Classification Criteria 13 December 2019. Collection method: clinical testing. Allele origin: germline.
Comment: This variant was observed in the ICSL laboratory as part of a predisposition screen in an ostensibly healthy population. It had not been previously curated by ICSL or reported in the Human Gene Mutation Database (HGMD: prior to June 1st, 2018), and was therefore a candidate for classification through an automated scoring system. Utilizing variant allele frequency, disease prevalence and penetrance estimates, and inheritance mode, an automated score was calculated to assess if this variant is too frequent to cause the disease. Based on the score and internal cut-off values, a variant classified as benign is not then subjected to further curation. The score for this variant resulted in a classification of benign for this disease.

Eurofins Ntd Llc (ga)
Classification: Benign. Last evaluated: 2017-07-18. Review status: criteria provided, single submitter. Criteria: EGL Classification Definitions 2015. Collection method: clinical testing. Allele origin: germline.

GeneDx
Classification: Benign. Last evaluated: 2016-01-06. Review status: criteria provided, single submitter. Criteria: GeneDx Variant Classification (06012015). Collection method: clinical testing. Allele origin: germline. Affected: yes.
Comment: This variant is considered likely benign or benign based on one or more of the following criteria: it is a conservative change, it occurs at a poorly conserved position in the protein, it is predicted to be benign by multiple in silico algorithms, and/or has population frequency not consistent with disease.

Breakthrough Genomics
Classification: Benign. Review status: criteria provided, single submitter. Criteria: ACMG Guidelines, 2015. Collection method: not provided. Allele origin: germline. Inheritance: Autosomal recessive inheritance. Affected: yes.

Mayo Clinic Laboratories, Mayo Clinic
Classification: Benign. Last evaluated: 2015-10-22. Review status: no assertion criteria provided. Collection method: clinical testing. Allele origin: unknown. Not counted in ClinVar's aggregate classification.

Genetic Services Laboratory, University of Chicago
Classification: Likely benign for AllHighlyPenetrant. Review status: no assertion criteria provided. Collection method: clinical testing. Allele origin: germline. Inheritance: Autosomal recessive inheritance. Not counted in ClinVar's aggregate classification.
Comment: Likely benign based on allele frequency in 1000 Genomes Project or ESP global frequency and its presence in a patient with a rare or unrelated disease phenotype. NOT Sanger confirmed.

NM_014324.6(AMACR):c.524G>A (p.Gly175Asp)

Genes: AMACR (alpha-methylacyl-CoA racemase; minus strand), C1QTNF3-AMACR (C1QTNF3-AMACR readthrough (NMD candidate); minus strand). Cytogenetic location: 5p13.2.
Variant type: single nucleotide variant.
Coding change: c.524G>A on transcript NM_014324.6 (MANE Select); coding-DNA position 524, G replaced by A.
Protein change: p.Gly175Asp; replaces glycine 175 with aspartic acid.
Molecular consequence: missense variant. On other transcripts: intron variant (1).
Genome position (GRCh38, 1-based): chr5:34,004,602, C>T on the plus strand (G>A on the coding strand, the complement: AMACR is on the minus strand). VCF-style: chr5-34004602-C-T. GRCh37 (hg19) VCF-style: chr5-34004707-C-T.
Other names: c.524G>A, p.Gly175Asp (NM_001167595.2); c.391+1154G>A (NM_203382.3); short protein forms G175D.
Identifiers: ClinVar variation 128357 (VCV000128357.28), dbSNP rs10941112, ClinGen allele CA151760.